The following is an entry in ClinVar:

NM_004304.5(ALK):c.1354G>C (p.Gly452Arg)

Gene: ALK (ALK receptor tyrosine kinase; minus strand). Cytogenetic location: 2p23.2.
Variant type: single nucleotide variant.
Coding change: c.1354G>C on transcript NM_004304.5 (MANE Select); coding-DNA position 1354, G replaced by C.
Protein change: p.Gly452Arg; replaces glycine 452 with arginine.
Molecular consequence: missense variant.
Genome position (GRCh38, 1-based): chr2:29,328,410, C>G on the plus strand (G>C on the coding strand, the complement: ALK is on the minus strand). VCF-style: chr2-29328410-C-G. GRCh37 (hg19) VCF-style: chr2-29551276-C-G.
Other names: short protein forms G452R.
Identifiers: ClinVar variation 1692772 (VCV001692772.6), dbSNP rs1277320933, ClinGen allele CA346474293.

ClinVar aggregate classification (germline): Uncertain significance. Review status: criteria provided, multiple submitters, no conflicts (2 of 4 stars). 2 submissions from 2 submitters: Uncertain significance (2). Last evaluated 2022-07-22.

Conditions:
Hereditary cancer-predisposing syndrome. Also called: Neoplastic Syndromes, Hereditary; Hereditary Cancer Syndrome; Tumor predisposition; Hereditary neoplastic syndrome. Identifiers: Orphanet 140162, MedGen C0027672, MeSH D009386, MONDO:0015356.
Neuroblastoma, susceptibility to, 3. Also called: ALK-Related Neuroblastic Tumor Susceptibility. Identifiers: Orphanet 635, MedGen C2751681, MONDO:0013083, OMIM 613014.

gnomAD v4.1: 3 of 1,614,206 alleles (0.00019%); highest among the groups gnomAD compares: South Asian, 0.0033%; no homozygotes.

Submissions (2):

Labcorp Genetics (formerly Invitae), Labcorp
Classification: Uncertain significance for Neuroblastoma, susceptibility to, 3. Last evaluated: 2022-07-22. Review status: criteria provided, single submitter. Criteria: Invitae Variant Classification Sherloc (09022015). Collection method: clinical testing. Allele origin: germline.
Comment: In summary, the available evidence is currently insufficient to determine the role of this variant in disease. Therefore, it has been classified as a Variant of Uncertain Significance. This variant is not present in population databases (gnomAD no frequency). This variant has not been reported in the literature in individuals affected with ALK-related conditions. ClinVar contains an entry for this variant (Variation ID: 1692772). Algorithms developed to predict the effect of missense changes on protein structure and function are either unavailable or do not agree on the potential impact of this missense change (SIFT: "Deleterious"; PolyPhen-2: "Probably Damaging"; Align-GVGD: "Class C15"). This sequence change replaces glycine, which is neutral and non-polar, with arginine, which is basic and polar, at codon 452 of the ALK protein (p.Gly452Arg).

Sema4
Classification: Uncertain significance for Hereditary cancer-predisposing syndrome. Last evaluated: 2021-05-17. Review status: criteria provided, single submitter. Criteria: Sema4 Curation Guidelines. Collection method: curation. Allele origin: germline.
Comment: The ALK c.1354G>C (p.G452R) variant has not been reported in the literature to our knowledge. It was not observed in the large and broad cohorts of the Genome Aggregation Database (PMID: 32461654). This variant has not been reported in ClinVar. Functional studies have not been performed, and in silico predictions of the variant's effect on protein function are inconclusive. The evidence is insufficient to meet ACMG/AMP criteria for classifying the variant as benign or pathogenic. Thus, the clinical significance of this variant is currently uncertain.